The following is an entry in ClinVar:

NM_138636.5(TLR8):c.2978G>A (p.Arg993Gln)

Genes: TLR8 (toll like receptor 8; plus strand), TLR8-AS1 (TLR8 antisense RNA 1; minus strand). Cytogenetic location: Xp22.2.
Variant type: single nucleotide variant.
Coding change: c.2978G>A on transcript NM_138636.5 (MANE Select); coding-DNA position 2978, G replaced by A.
Protein change: p.Arg993Gln; replaces arginine 993 with glutamine.
Molecular consequence: missense variant.
Genome position (GRCh38, 1-based): chrX:12,922,018, G>A. VCF-style: chrX-12922018-G-A. GRCh37 (hg19) VCF-style: chrX-12940137-G-A.
Other names: c.3032G>A, p.Arg1011Gln (NM_016610.4); short protein forms R1011Q, R993Q.
Identifiers: ClinVar variation 3342236 (VCV003342236.16).

ClinVar aggregate classification (germline): Uncertain significance (1 of 4 stars; one submission).

gnomAD v4.1: 2 of 1,209,961 alleles (0.00017%); highest among the groups gnomAD compares: Non-Finnish European, 0.00022%; no homozygotes.

Submission:

CeGaT Center for Human Genetics Tuebingen
Classification: Uncertain significance. Last evaluated: 2024-09-01. Review status: criteria provided, single submitter. Criteria: CeGaT Center For Human Genetics Tuebingen Variant Classification Criteria Version 2. Collection method: clinical testing. Allele origin: germline. Affected: yes. Observed: 2 variant alleles.
Comment: TLR8: PM2